The following is an entry in ClinVar:

NM_003737.4(DCHS1):c.6791C>T (p.Thr2264Met)

Gene: DCHS1 (dachsous cadherin-related 1; minus strand). Cytogenetic location: 11p15.4.
Variant type: single nucleotide variant.
Coding change: c.6791C>T on transcript NM_003737.4 (MANE Select); coding-DNA position 6791, C replaced by T.
Protein change: p.Thr2264Met; replaces threonine 2264 with methionine.
Molecular consequence: missense variant.
Genome position (GRCh38, 1-based): chr11:6,625,668, G>A on the plus strand (C>T on the coding strand, the complement: DCHS1 is on the minus strand). VCF-style: chr11-6625668-G-A. GRCh37 (hg19) VCF-style: chr11-6646899-G-A.
Other names: c.6791C>T (NM_003737.2); short protein forms T2264M.
Identifiers: ClinVar variation 1305585 (VCV001305585.7), dbSNP rs752746132, ClinGen allele CA5859772.
Genomic context (GRCh38, chr11:6,625,668, plus strand): 5'-CGGAGCTCCCAGGGTTGGGGGATGGTGGGGCGATTGTCATTGGTGTCGATGACCATCACC[G>A]TCAAGGTAGCTGAGCCCACCAGGGCTGGGCTCCCTCTGTCTGTGGCCATCAGCACCAACC-3'
Protein context (NP_003728.1, residues 2254-2274): SPALVGSATL[Thr2264Met]VMVIDTNDNR

ClinVar aggregate classification (germline): Uncertain significance. Review status: criteria provided, multiple submitters, no conflicts (2 of 4 stars). 3 submissions from 3 submitters: Uncertain significance (3). Last evaluated 2024-11-25.

Conditions:
Inborn genetic diseases. Identifiers: MedGen C0950123, MeSH D030342.

Allele frequency attached by ClinVar (database versions not stated): gnomAD exomes below 0.00001 and 0.00001; ExAC 0.00001; gnomAD 0.00001.
gnomAD v4.1: 20 of 1,613,152 alleles (0.0012%); highest among the groups gnomAD compares: South Asian, 0.0022%; no homozygotes.

Submissions (3):

Labcorp Genetics (formerly Invitae), Labcorp
Classification: Uncertain significance. Last evaluated: 2024-11-25. Review status: criteria provided, single submitter. Criteria: Invitae Variant Classification Sherloc (09022015). Collection method: clinical testing. Allele origin: germline.
Comment: This sequence change replaces threonine, which is neutral and polar, with methionine, which is neutral and non-polar, at codon 2264 of the DCHS1 protein (p.Thr2264Met). This variant is present in population databases (rs752746132, gnomAD 0.0009%). This variant has not been reported in the literature in individuals affected with DCHS1-related conditions. ClinVar contains an entry for this variant (Variation ID: 1305585). Invitae Evidence Modeling of protein sequence and biophysical properties (such as structural, functional, and spatial information, amino acid conservation, physicochemical variation, residue mobility, and thermodynamic stability) indicates that this missense variant is not expected to disrupt DCHS1 protein function with a negative predictive value of 95%. In summary, the available evidence is currently insufficient to determine the role of this variant in disease. Therefore, it has been classified as a Variant of Uncertain Significance.

Ambry Genetics
Classification: Uncertain significance for Inborn genetic diseases. Last evaluated: 2022-10-12. Review status: criteria provided, single submitter. Criteria: Ambry Variant Classification Scheme 2023. Collection method: clinical testing. Allele origin: germline.

GeneDx
Classification: Uncertain significance. Last evaluated: 2019-02-15. Review status: criteria provided, single submitter. Criteria: GeneDx Variant Classification Process June 2021. Collection method: clinical testing. Allele origin: germline. Affected: yes.
Comment: Not observed at a significant frequency in large population cohorts (Lek et al., 2016); In silico analysis, which includes protein predictors and evolutionary conservation, supports a deleterious effect; Has not been previously published as pathogenic or benign to our knowledge